The following is an entry in ClinVar:

ClinVar aggregate classification (germline): Likely pathogenic (1 of 4 stars; one submission).

Submission:

CeGaT Center for Human Genetics Tuebingen
Classification: Likely pathogenic. Last evaluated: 2023-09-01. Review status: criteria provided, single submitter. Criteria: CeGaT Center For Human Genetics Tuebingen Variant Classification Criteria Version 2. Collection method: clinical testing. Allele origin: germline. Affected: yes. Observed: 2 variant alleles.
Comment: SMAD6: PVS1:Strong, PM2

NM_005585.5(SMAD6):c.1219_1235dup (p.Asn413fs)

Gene: SMAD6 (SMAD family member 6; plus strand). Cytogenetic location: 15q22.31.
Variant type: Duplication.
Coding change: c.1219_1235dup on transcript NM_005585.5 (MANE Select); coding-DNA positions 1219 to 1235, 17 bases duplicated (GAGCACCCCATCTTCGT).
Protein change: p.Asn413fs; shifts the reading frame from asparagine 413.
Molecular consequence: frameshift variant. On other transcripts: non-coding transcript variant (1).
Genome position (GRCh38, 1-based): chr15:66,781,263-66,781,279, GAGCACCCCATCTTCGT duplicated. VCF-style (leftmost placement, unchanged base first): chr15-66781262-C-CGAGCACCCCATCTTCGT. GRCh37 (hg19) VCF-style: chr15-67073600-C-CGAGCACCCCATCTTCGT.
Other names: short protein forms N413fs.
Identifiers: ClinVar variation 2582938 (VCV002582938.25), dbSNP rs2541898218, ClinGen allele CA2582342620.